The following is an entry in ClinVar:

ClinVar aggregate classification (germline): Likely pathogenic (1 of 4 stars; one submission).

Submission:

Labcorp Genetics (formerly Invitae), Labcorp
Classification: Likely pathogenic. Last evaluated: 2023-03-26. Review status: criteria provided, single submitter. Criteria: Invitae Variant Classification Sherloc (09022015). Collection method: clinical testing. Allele origin: germline.
Comment: In summary, the currently available evidence indicates that the variant is pathogenic, but additional data are needed to prove that conclusively. Therefore, this variant has been classified as Likely Pathogenic. Algorithms developed to predict the effect of sequence changes on RNA splicing suggest that this variant may disrupt the consensus splice site. This variant has not been reported in the literature in individuals affected with ALPK3-related conditions. This variant is not present in population databases (gnomAD no frequency). This sequence change affects a donor splice site in intron 6 of the ALPK3 gene. It is expected to disrupt RNA splicing. Variants that disrupt the donor or acceptor splice site typically lead to a loss of protein function (PMID: 16199547), and loss-of-function variants in ALPK3 are known to be pathogenic (PMID: 21441111, 26846950, 27106955, 34263907).

Literature cited by the submitters: PubMed 16199547; PubMed 21441111; PubMed 26846950; PubMed 27106955; PubMed 34263907.

NM_020778.5(ALPK3):c.3817+1G>A

Gene: ALPK3 (alpha kinase 3; plus strand). Cytogenetic location: 15q25.3.
Variant type: single nucleotide variant.
Coding change: c.3817+1G>A on transcript NM_020778.5 (MANE Select); the canonical splice donor site of the intron after coding-DNA position 3817, G replaced by A.
Molecular consequence: splice donor variant.
Genome position (GRCh38, 1-based): chr15:84,858,556, G>A. VCF-style: chr15-84858556-G-A. GRCh37 (hg19) VCF-style: chr15-85401787-G-A.
Identifiers: ClinVar variation 2849439 (VCV002849439.3), dbSNP rs2505722938, ClinGen allele CA393361041.